The following is an entry in ClinVar:

ClinVar aggregate classification (germline): Uncertain significance (1 of 4 stars; one submission).

Submission:

Labcorp Genetics (formerly Invitae), Labcorp
Classification: Uncertain significance. Last evaluated: 2021-08-03. Review status: criteria provided, single submitter. Criteria: Invitae Variant Classification Sherloc (09022015). Collection method: clinical testing. Allele origin: germline.
Comment: Advanced modeling of protein sequence and biophysical properties (such as structural, functional, and spatial information, amino acid conservation, physicochemical variation, residue mobility, and thermodynamic stability) performed at Invitae indicates that this missense variant is not expected to disrupt KCNQ5 protein function. This sequence change replaces glycine with aspartic acid at codon 71 of the KCNQ5 protein (p.Gly71Asp). The glycine residue is weakly conserved and there is a moderate physicochemical difference between glycine and aspartic acid. The frequency data for this variant in the population databases is considered unreliable, as metrics indicate insufficient coverage at this position in the ExAC database. This variant has not been reported in the literature in individuals affected with KCNQ5-related conditions. In summary, the available evidence is currently insufficient to determine the role of this variant in disease. Therefore, it has been classified as a Variant of Uncertain Significance.

NM_019842.4(KCNQ5):c.212G>A (p.Gly71Asp)

Genes: KCNQ5 (potassium voltage-gated channel subfamily Q member 5; plus strand), KCNQ5-DT (KCNQ5 divergent transcript; minus strand). Cytogenetic location: 6q13.
Variant type: single nucleotide variant.
Coding change: c.212G>A on transcript NM_019842.4 (MANE Select); coding-DNA position 212, G replaced by A.
Protein change: p.Gly71Asp; replaces glycine 71 with aspartic acid.
Molecular consequence: missense variant.
Genome position (GRCh38, 1-based): chr6:72,622,401, G>A. VCF-style: chr6-72622401-G-A. GRCh37 (hg19) VCF-style: chr6-73332129-G-A.
Other names: c.212G>A, p.Gly71Asp (NM_001160130.2, NM_001160132.2, NM_001160133.2 and 1 more transcripts); short protein forms G71D.
Identifiers: ClinVar variation 1475379 (VCV001475379.6), dbSNP rs2154471224, ClinGen allele CA364824371.